The following is an entry in ClinVar:

NM_006182.4(DDR2):c.821A>G (p.Glu274Gly)

Gene: DDR2 (discoidin domain receptor tyrosine kinase 2; plus strand). Cytogenetic location: 1q23.3.
Variant type: single nucleotide variant.
Coding change: c.821A>G on transcript NM_006182.4 (MANE Select); coding-DNA position 821, A replaced by G.
Protein change: p.Glu274Gly; replaces glutamic acid 274 with glycine.
Molecular consequence: missense variant.
Genome position (GRCh38, 1-based): chr1:162,759,945, A>G. VCF-style: chr1-162759945-A-G. GRCh37 (hg19) VCF-style: chr1-162729735-A-G.
Other names: TKT; WRCN; DDR2-N; MIG20a; NTRKR3; TYRO10; c.821A>G, p.Glu274Gly (NM_001014796.3, NM_001354982.2, NM_001354983.2); short protein forms E274G.
Identifiers: ClinVar variation 5021154 (VCV005021154.1).

ClinVar aggregate classification (germline): Uncertain significance (1 of 4 stars; one submission).

Conditions:
Mandibular prognathia. Also called: Habsburg jaw; Hapsburg jaw; Class III malocclusion. Identifiers: Orphanet 2964, MedGen C0399526, MeSH D008313, MONDO:0008312, OMIM 176700, HP:0000303.

gnomAD v4.1: 2 of 1,614,070 alleles (0.00012%); highest among the groups gnomAD compares: East Asian, 0.0022%; no homozygotes.

Submission:

Department of Medical Genetics, Puai Medical College, Shaoyang University
Classification: Uncertain significance for Mandibular prognathia. Last evaluated: 2026-10-01. Review status: criteria provided, single submitter. Criteria: ACMG Guidelines, 2015. Collection method: research. Allele origin: germline. Inheritance: Autosomal dominant inheritance. Affected: yes. Observed: 11 variant alleles, 11 heterozygotes.
Comment: The DDR2 c.821A>G (p.Glu274Gly) variant was identified by whole-exome sequencing in a single family with mandibular prognathism (MIM #176700) and confirmed by Sanger sequencing in all enrolled family members. It affects a highly conserved residue (GERP++ 5.6) within the extracellular discoidin domain, a region critical for collagen binding and receptor activation, and is absent from 1000 Genomes, ESP6500, and 100 in-house exome controls, while being extremely rare in gnomAD v4 (overall AF 0.000007959; South Asian AF 0.00003266). Computational tools predict a damaging effect (SIFT: deleterious; PolyPhen-2: possibly damaging). However, DDR2 is not an established gene for MIM #176700, and no functional studies are available to confirm a deleterious effect on protein function. In summary, this variant meets our criteria to be classified as a Variant of Uncertain Significance (VUS) based on its rarity, co-segregation in a single small family, and computational predictions, but lacking functional evidence and a confirmed gene-disease association.